The following is an entry in ClinVar:

NM_000188.3(HK1):c.1836C>T (p.Asp612=)

Gene: HK1 (hexokinase 1; plus strand). Cytogenetic location: 10q22.1.
Variant type: single nucleotide variant.
Coding change: c.1836C>T on transcript NM_000188.3 (MANE Select); coding-DNA position 1836, C replaced by T.
Protein change: p.Asp612=; no amino-acid change (aspartic acid 612 retained).
Molecular consequence: synonymous variant.
Genome position (GRCh38, 1-based): chr10:69,384,912, C>T. VCF-style: chr10-69384912-C-T. GRCh37 (hg19) VCF-style: chr10-71144668-C-T.
Other names: c.1848C>T, p.Asp616= (NM_001322364.2, NM_001358263.1, NM_033497.3 and 1 more transcripts); c.1941C>T, p.Asp647= (NM_001322365.2); c.1752C>T, p.Asp584= (NM_001322366.1); c.1740C>T, p.Asp580= (NM_001322367.1); c.1833C>T, p.Asp611= (NM_033496.3); c.1800C>T, p.Asp600= (NM_033500.2); c.1836C>T (NM_000188.2).
Identifiers: ClinVar variation 2194810 (VCV002194810.6), dbSNP rs143834023, ClinGen allele CA5532689.
Genomic context (GRCh38, chr10:69,384,912, plus strand): 5'-AGGCCCCAGGATGCCTCTGGGCTTCACGTTCTCATTTCCCTGCCAGCAGACGAGTCTGGA[C>T]GCGGTGAGTCTCTGTTCTTAGGGCTCAGTGATCGGGCAGCACTGAGTCCCCTGTGGCCTG-3'
Protein context (NP_000179.2, residues 602-622): FSFPCQQTSL[Asp612=]AGILITWTKG

ClinVar aggregate classification (germline): Likely benign. Review status: criteria provided, multiple submitters, no conflicts (2 of 4 stars). 3 submissions from 3 submitters: Likely benign (2). 1 of the submissions does not count toward it. Last evaluated 2025-09-22.

Conditions:
HK1-related disorder. Also called: HK1-related disorders; HK1-related condition.

Allele frequency attached by ClinVar (database versions not stated): gnomAD exomes 0.00001; ExAC 0.00002; ESP Exome Variant Server 0.00015.
gnomAD v4.1: 26 of 1,614,038 alleles (0.0016%); highest among the groups gnomAD compares: African/African-American, 0.0027%; no homozygotes.

Submissions (3):

Labcorp Genetics (formerly Invitae), Labcorp
Classification: Likely benign. Last evaluated: 2025-09-22. Review status: criteria provided, single submitter. Criteria: Invitae Variant Classification Sherloc (09022015). Collection method: clinical testing. Allele origin: germline.

Blueprint Genetics
Classification: Likely benign. Last evaluated: 2022-04-14. Review status: criteria provided, single submitter. Criteria: ACMG Guidelines, 2015. Collection method: clinical testing. Allele origin: germline.

PreventionGenetics, part of Exact Sciences
Classification: Likely benign for HK1-related condition. Last evaluated: 2024-09-24. Review status: no assertion criteria provided. Collection method: clinical testing. Allele origin: germline. Not counted in ClinVar's aggregate classification.
Comment: This variant is classified as likely benign based on ACMG/AMP sequence variant interpretation guidelines (Richards et al. 2015 PMID: 25741868, with internal and published modifications).